The following is an entry in ClinVar:

ClinVar aggregate classification (germline): Likely benign. Review status: criteria provided, multiple submitters, no conflicts (2 of 4 stars). 3 submissions from 3 submitters: Likely benign (3). Last evaluated 2026-06-01.

Conditions:
Spastic paraplegia. Identifiers: MedGen C0037772, HP:0001258.

Allele frequency attached by ClinVar (database versions not stated): ESP Exome Variant Server 0.00023.
gnomAD v4.1: 310 of 1,598,612 alleles (0.019%); highest among the groups gnomAD compares: Non-Finnish European, 0.025%; no homozygotes.

Submissions (3):

CeGaT Center for Human Genetics Tuebingen
Classification: Likely benign. Last evaluated: 2026-06-01. Review status: criteria provided, single submitter. Criteria: CeGaT Center For Human Genetics Tuebingen Variant Classification Criteria Version 2. Collection method: clinical testing. Allele origin: germline. Affected: yes. Observed: 4 variant alleles.
Comment: AP4E1: BP4, BP7

Blueprint Genetics
Classification: Likely benign. Last evaluated: 2022-12-28. Review status: criteria provided, single submitter. Criteria: ACMG Guidelines, 2015. Collection method: clinical testing. Allele origin: germline.

Labcorp Genetics (formerly Invitae), Labcorp
Classification: Likely benign for Spastic paraplegia. Last evaluated: 2022-09-07. Review status: criteria provided, single submitter. Criteria: Invitae Variant Classification Sherloc (09022015). Collection method: clinical testing. Allele origin: germline.

NM_007347.5(AP4E1):c.2874C>T (p.Asp958=)

Gene: AP4E1 (adaptor related protein complex 4 subunit epsilon 1; plus strand). Cytogenetic location: 15q21.2.
Variant type: single nucleotide variant.
Coding change: c.2874C>T on transcript NM_007347.5 (MANE Select); coding-DNA position 2874, C replaced by T.
Protein change: p.Asp958=; no amino-acid change (aspartic acid 958 retained).
Molecular consequence: synonymous variant.
Genome position (GRCh38, 1-based): chr15:50,997,853, C>T. VCF-style: chr15-50997853-C-T. GRCh37 (hg19) VCF-style: chr15-51290050-C-T.
Other names: c.2649C>T, p.Asp883= (NM_001252127.2).
Identifiers: ClinVar variation 1528844 (VCV001528844.35), dbSNP rs148111863, ClinGen allele CA7559387.